The following continues an entry in ClinVar:

NM_007294.4(BRCA1):c.4649C>T (p.Thr1550Ile)

Gene: BRCA1. ClinVar aggregate classification (germline): Uncertain significance. Uncertain significance (12).

Submissions 7 to 14 of 14:

Quest Diagnostics Nichols Institute San Juan Capistrano
Classification: Uncertain significance. Last evaluated: 2023-05-03. Review status: criteria provided, single submitter. Criteria: Quest Diagnostics criteria. Collection method: clinical testing. Allele origin: unknown.
Comment: The frequency of this variant in the general population, 0.000013 (2/152198 chromosomes), is uninformative in assessment of its pathogenicity. In the published literature, the variant has been reported in an individual with pediatric leukemia (PMID: 26580448 (2015)). It is predicted to abolish a BRCA1 phosphorylation site in silico, but the effect of the predicted change on BRCA1 function is unknown (PMID: 23704879 (2013)). Functional studies show that this variant has a higher activity than a wild type control in an in vitro transcription activation assay (PMIDs: 28781887 (2016) and 30765603 (2019)). Analysis of this variant using bioinformatics tools for the prediction of the effect of amino acid changes on protein structure and function yielded predictions that this variant is benign. Based on the available information, we are unable to determine the clinical significance of this variant.

Fulgent Genetics
Classification: Uncertain significance for Familial cancer of breast; Breast-ovarian cancer, familial, susceptibility to, 1; Pancreatic cancer, susceptibility to, 4; Fanconi anemia, complementation group S. Last evaluated: 2021-08-26. Review status: criteria provided, single submitter. Criteria: ACMG Guidelines, 2015. Collection method: clinical testing. Allele origin: unknown.

Broad Center for Mendelian Genomics, Broad Institute of MIT and Harvard
Classification: Uncertain significance. Last evaluated: 2020-01-22. Review status: criteria provided, single submitter. Criteria: ACMG Guidelines, 2015. Collection method: curation. Allele origin: germline.
Comment: The p.Thr1550Ile variant (sometimes called p.Thr1571Ile) in BRCA1 has been reported in 1 pediatric individual with hyperdiploid acute lymphoblastic leukemia (PMID: 26580448), and was absent from large population studies. This variant has also been reported as a VUS in ClinVar (Variation ID: 55251). In vitro functional studies provide some evidence that the p.Thr1550Ile variant may not reduce gene expression (PMID: 28781887). However, these types of assays may not accurately represent biological function. Computational prediction tools and conservation analyses do not provide strong support for or against an impact to the protein. The Threonine (Thr) at position 1550 is not conserved in mammals or evolutionary distant species, raising the possibility that a change at this position may be tolerated. Additional computational prediction tools suggest that this variant will affect binding to another protein (PMID: 23704879). In summary, the clinical significance of the p.Thr1550Ile variant is uncertain. ACMG/AMP Criteria applied: PM2, BS3_Supporting (Richards 2015).

Baylor Genetics
Classification: Uncertain significance for Breast-ovarian cancer, familial, susceptibility to, 1. Last evaluated: 2019-07-17. Review status: criteria provided, single submitter. Criteria: ACMG Guidelines, 2015. Collection method: clinical testing. Allele origin: paternal. Affected: yes. Study: CSER-TexasKidsCanSeq.
Comment: This variant was determined to be of uncertain significance according to ACMG Guidelines, 2015 [PMID:25741868].

Institute of Human Genetics, University of Leipzig Medical Center
Classification: Uncertain significance for Breast-ovarian cancer, familial, susceptibility to, 1. Last evaluated: 2019-04-08. Review status: criteria provided, single submitter. Criteria: ACMG Guidelines, 2015. Collection method: clinical testing. Allele origin: germline. Affected: yes. Observed: 1 variant allele.

Institute for Biomarker Research, Medical Diagnostic Laboratories, L.L.C.
Classification: Uncertain significance for Hereditary cancer-predisposing syndrome. Last evaluated: 2017-07-12. Review status: criteria provided, single submitter. Criteria: ACMG Guidelines, 2015. Collection method: clinical testing. Allele origin: germline.

Counsyl
Classification: Uncertain significance for Breast-ovarian cancer, familial, susceptibility to, 1. Last evaluated: 2016-06-01. Review status: no assertion criteria provided. Collection method: clinical testing. Allele origin: unknown. Not counted in ClinVar's aggregate classification.

Breast Cancer Information Core (BIC) (BRCA1)
Classification: Uncertain significance for Breast-ovarian cancer, familial 1. Last evaluated: 2002-05-29. Review status: no assertion criteria provided. Collection method: clinical testing. Allele origin: germline. Affected: yes. Observed: 3 variant alleles. Not counted in ClinVar's aggregate classification.

Literature cited by the submitters: PubMed 10923033 (cited by Labcorp Genetics (formerly Invitae), Labcorp); PubMed 26580448 (cited by 6 submitters); PubMed 28781887 (cited by 6 submitters); PubMed 23704879 (cited by 3 submitters); PubMed 30765603 (cited by Women's Health and Genetics/Laboratory Corporation of America, LabCorp and Quest Diagnostics Nichols Institute San Juan Capistrano); PubMed 31131967 (cited by Color Diagnostics, LLC DBA Color Health and All of Us Research Program, National Institutes of Health); PubMed 26295337 (cited by Quest Diagnostics Nichols Institute San Juan Capistrano); PubMed 19276368 (cited by Counsyl).